The following is an entry in ClinVar:

NM_030922.7(NIPA2):c.223G>A (p.Ala75Thr)

Gene: NIPA2 (NIPA magnesium transporter 2; plus strand). Cytogenetic location: 15q11.2.
Variant type: single nucleotide variant.
Coding change: c.223G>A on transcript NM_030922.7 (MANE Select); coding-DNA position 223, G replaced by A.
Protein change: p.Ala75Thr; replaces alanine 75 with threonine.
Molecular consequence: missense variant.
Genome position (GRCh38, 1-based): chr15:22,858,566, G>A. VCF-style: chr15-22858566-G-A. GRCh37 (hg19) VCF-style: chr15-23014502-C-T.
Other names: c.223G>A, p.Ala75Thr (NM_001008860.3, NM_001008892.3, NM_001184889.2 and 2 more transcripts); c.166G>A, p.Ala56Thr (NM_001008894.3, NM_001184888.2, NM_001438100.1); short protein forms A56T, A75T.
Identifiers: ClinVar variation 4280789 (VCV004280789.7).

ClinVar aggregate classification (germline): Benign (1 of 4 stars; one submission).

Submission:

CeGaT Center for Human Genetics Tuebingen
Classification: Benign. Last evaluated: 2025-09-01. Review status: criteria provided, single submitter. Criteria: CeGaT Center For Human Genetics Tuebingen Variant Classification Criteria Version 2. Collection method: clinical testing. Allele origin: germline. Affected: yes. Observed: 1 variant allele.
Comment: NIPA2: BS1, BS2